The following is an entry in ClinVar:

ClinVar aggregate classification (germline): Uncertain significance (1 of 4 stars; one submission).

Conditions:
Desmin-related myofibrillar myopathy (MFM1). Also called: Desminopathy; Desmin related myopathy (former name); Desmin storage myopathy (former name); MYOFIBRILLAR MYOPATHY WITH ARRHYTHMOGENIC RIGHT VENTRICULAR CARDIOMYOPATHY; DESMIN-RELATED MYOPATHY WITH ARRHYTHMOGENIC RIGHT VENTRICULAR CARDIOMYOPATHY; Myofibrillar myopathy 1. Identifiers: Orphanet 363543, Orphanet 98909, MedGen C1832370, MONDO:0011076, OMIM 601419.

Submission:

Labcorp Genetics (formerly Invitae), Labcorp
Classification: Uncertain significance for Desmin-related myofibrillar myopathy. Last evaluated: 2025-06-30. Review status: criteria provided, single submitter. Criteria: Invitae Variant Classification Sherloc (09022015). Collection method: clinical testing. Allele origin: germline.
Comment: This sequence change replaces glutamine, which is neutral and polar, with arginine, which is basic and polar, at codon 195 of the DES protein (p.Gln195Arg). This variant is not present in population databases (gnomAD no frequency). This variant has not been reported in the literature in individuals affected with DES-related conditions. Invitae Evidence Modeling of protein sequence and biophysical properties (such as structural, functional, and spatial information, amino acid conservation, physicochemical variation, residue mobility, and thermodynamic stability) has been performed for this missense variant. However, the output from this modeling did not meet the statistical confidence thresholds required to predict the impact of this variant on DES protein function. In summary, the available evidence is currently insufficient to determine the role of this variant in disease. Therefore, it has been classified as a Variant of Uncertain Significance.

NM_001927.4(DES):c.584A>G (p.Gln195Arg)

Gene: DES (desmin; plus strand). Cytogenetic location: 2q35.
Variant type: single nucleotide variant.
Coding change: c.584A>G on transcript NM_001927.4 (MANE Select); coding-DNA position 584, A replaced by G.
Protein change: p.Gln195Arg; replaces glutamine 195 with arginine.
Molecular consequence: missense variant. On other transcripts: intron variant (1).
Genome position (GRCh38, 1-based): chr2:219,420,100, A>G. VCF-style: chr2-219420100-A-G. GRCh37 (hg19) VCF-style: chr2-220284822-A-G.
Other names: c.584A>G, p.Gln195Arg (NM_001382708.1, NM_001382712.1, NM_001382709.1 and 2 more transcripts); c.496-425A>G (NM_001382713.1); short protein forms Q195R.
Identifiers: ClinVar variation 4783735 (VCV004783735.1).